The following is an entry in ClinVar:

NM_000352.6(ABCC8):c.1002C>T (p.Phe334=)

Gene: ABCC8 (ATP binding cassette subfamily C member 8; minus strand). Cytogenetic location: 11p15.1.
Variant type: single nucleotide variant.
Coding change: c.1002C>T on transcript NM_000352.6 (MANE Select); coding-DNA position 1002, C replaced by T.
Protein change: p.Phe334=; no amino-acid change (phenylalanine 334 retained).
Molecular consequence: synonymous variant. On other transcripts: non-coding transcript variant (1).
Genome position (GRCh38, 1-based): chr11:17,460,497, G>A on the plus strand (C>T on the coding strand, the complement: ABCC8 is on the minus strand). VCF-style: chr11-17460497-G-A. GRCh37 (hg19) VCF-style: chr11-17482044-G-A.
Other names: c.1002C>T, p.Phe334= (NM_001287174.3, NM_001351295.2); c.999C>T, p.Phe333= (NM_001351296.2, NM_001351297.2).
Identifiers: ClinVar variation 753548 (VCV000753548.9), dbSNP rs763978514, ClinGen allele CA5903703.

ClinVar aggregate classification (germline): Conflicting classifications of pathogenicity. Review status: criteria provided, conflicting classifications (1 of 4 stars). 3 submissions from 2 submitters: Uncertain significance (2); Likely benign (1). Last evaluated 2025-07-18.

Conditions:
Transitory neonatal diabetes mellitus. Also called: Transient neonatal diabetes mellitus. Identifiers: MedGen C0342273, MONDO:0020525, HP:0008255.
Maturity-onset diabetes of the young (MODY). Also called: Maturity onset diabetes mellitus in young. Identifiers: Orphanet 552, MedGen C0342276, MONDO:0018911, HP:0004904.

Allele frequency attached by ClinVar (database versions not stated): ExAC 0.00001; gnomAD exomes 0.00001 and 0.00002; gnomAD 0.00002.
gnomAD v4.1: 31 of 1,614,052 alleles (0.0019%); highest among the groups gnomAD compares: African/African-American, 0.004%; no homozygotes.

Submissions (3):

Labcorp Genetics (formerly Invitae), Labcorp
Classification: Likely benign. Last evaluated: 2025-07-18. Review status: criteria provided, single submitter. Criteria: Invitae Variant Classification Sherloc (09022015). Collection method: clinical testing. Allele origin: germline.

Clinical Genomics, Uppaluri K&H Personalized Medicine Clinic
Classification: Uncertain significance for Maturity-onset diabetes of the young. Review status: criteria provided, single submitter. Criteria: K & H Uppaluri Personalized Medicine Clinic Variant Classification & Assertion Criteria_Updated V.1. Collection method: research. Allele origin: unknown. Inheritance: Autosomal dominant inheritance.
Comment: Mutations in ABCC8 gene are associated with both neonatal diabetes mellitus as well as MODY. Patients with this mutation may have a better response to sulfonylureas. However, no sufficient evidence is found to ascertain the role of this particular variant ( rs763978514) in MODY yet.

Clinical Genomics, Uppaluri K&H Personalized Medicine Clinic
Classification: Uncertain significance for Transitory neonatal diabetes mellitus. Review status: criteria provided, single submitter. Criteria: K & H Uppaluri Personalized Medicine Clinic Variant Classification & Assertion Criteria_Updated V.1. Collection method: research. Allele origin: unknown.
Comment: Mutations in ABCC8 gene are associated with both neonatal diabetes mellitus as well as MODY. Patients with this mutation may have a better response to sulfonylureas. However, no sufficient evidence is found to ascertain the role of this particular variant ( rs763978514) in neonatal diabetes yet.

Literature cited by the submitters: PubMed 16885549 (cited by Clinical Genomics, Uppaluri K&H Personalized Medicine Clinic); PubMed 21989597 (cited by Clinical Genomics, Uppaluri K&H Personalized Medicine Clinic); PubMed 27538677 (cited by Clinical Genomics, Uppaluri K&H Personalized Medicine Clinic); PubMed 18981553 (cited by Clinical Genomics, Uppaluri K&H Personalized Medicine Clinic); PubMed 32027066 (cited by Clinical Genomics, Uppaluri K&H Personalized Medicine Clinic); PubMed 16613899 (cited by Clinical Genomics, Uppaluri K&H Personalized Medicine Clinic); PubMed 18025408 (cited by Clinical Genomics, Uppaluri K&H Personalized Medicine Clinic); PubMed 32792356 (cited by Clinical Genomics, Uppaluri K&H Personalized Medicine Clinic).